The following is an entry in ClinVar:

NM_024422.6(DSC2):c.71T>A (p.Ile24Asn)

Gene: DSC2 (desmocollin 2; minus strand). Cytogenetic location: 18q12.1.
Variant type: single nucleotide variant.
Coding change: c.71T>A on transcript NM_024422.6 (MANE Select); coding-DNA position 71, T replaced by A.
Protein change: p.Ile24Asn; replaces isoleucine 24 with asparagine.
Molecular consequence: missense variant.
Genome position (GRCh38, 1-based): chr18:31,093,642, A>T on the plus strand (T>A on the coding strand, the complement: DSC2 is on the minus strand). VCF-style: chr18-31093642-A-T. GRCh37 (hg19) VCF-style: chr18-28673605-A-T.
Other names: c.71T>A, p.Ile24Asn (NM_004949.5); short protein forms I24N.
Identifiers: ClinVar variation 1171346 (VCV001171346.2), dbSNP rs2144850570, ClinGen allele CA402115188.
Genomic context (GRCh38, chr18:31,093,642, plus strand): 5'-TCTAGTTTGGAGGGAACATGTAATGTCACATTTTTGCAGGCATCACTGGCAAATATTAAG[A>T]TCTAAAAAATGAAAAAAAATCAAATAAATATTATGCATAAAAAGAAAACTTTAATGTGTA-3'
Protein context (NP_077740.1, residues 14-34): LCRLLLLTLA[Ile24Asn]LIFASDACKN

ClinVar aggregate classification (germline): Uncertain significance (1 of 4 stars; one submission).

Conditions:
Cardiomyopathy (CMYO). Also called: Cardiomyopathies. Identifiers: Orphanet 167848, MedGen C0878544, MONDO:0004994, HP:0001638. Inheritance: Various modes of inheritance.

Submission:

Color Diagnostics, LLC DBA Color Health
Classification: Uncertain significance for Cardiomyopathy. Last evaluated: 2020-10-05. Review status: criteria provided, single submitter. Criteria: ACMG Guidelines, 2015. Collection method: clinical testing. Allele origin: germline.
Comment: This missense variant replaces isoleucine with asparagine at codon 24 of the DSC2 protein. Computational prediction suggests that this variant may not impact protein structure and function (internally defined REVEL score threshold <= 0.5, PMID: 27666373). To our knowledge, functional studies have not been reported for this variant. This variant has not been reported in individuals affected with cardiovascular disorders in the literature. This variant has not been identified in the general population by the Genome Aggregation Database (gnomAD). The available evidence is insufficient to determine the role of this variant in disease conclusively. Therefore, this variant is classified as a Variant of Uncertain Significance.